The following is an entry in ClinVar:

NM_000518.5(HBB):c.93-22_95del

Genes: HBB (hemoglobin subunit beta; minus strand), LOC106099062 (HBB recombination region; plus strand), LOC107133510 (origin of replication at HBB; plus strand). Cytogenetic location: 11p15.4.
Variant type: Deletion.
Coding change: c.93-22_95del on transcript NM_000518.5 (MANE Select); 22 bases into the intron before coding-DNA position 93 through coding-DNA position 95, 25 bases deleted (TGGTCTATTTTCCCACCCTTAGGCT).
Molecular consequence: splice acceptor variant.
Genome position (GRCh38, 1-based): chr11:5,226,797-5,226,821, AGCCTAAGGGTGGGAAAATAGACCA deleted on the plus strand (TGGTCTATTTTCCCACCCTTAGGCT on the coding strand, the reverse complement: HBB is on the minus strand); deleting any 25 consecutive bases within chr11:5,226,797-5,226,822 gives the same sequence; the c. name uses the placement nearest the transcript's 3' end. VCF-style (leftmost placement, unchanged base first): chr11-5226796-CAGCCTAAGGGTGGGAAAATAGACCA-C. GRCh37 (hg19) VCF-style: chr11-5248026-CAGCCTAAGGGTGGGAAAATAGACCA-C.
Other names: c.93-22_95delTGGTCTATTTTCCCACCCTTAGGCT (NM_000518.5); c.93-22_95del25 (NM_000518.4).
Identifiers: ClinVar variation 15442 (VCV000015442.39), dbSNP rs193922563, ClinGen allele CA125307.

ClinVar aggregate classification (germline): Pathogenic. Review status: criteria provided, multiple submitters, no conflicts (2 of 4 stars). 18 submissions from 17 submitters: Pathogenic (15). 3 of the submissions do not count toward it. Last evaluated 2026-01-21.

Conditions:
Beta-thalassemia HBB/LCRB. Identifiers: MedGen CN322236, MONDO:0013517, OMIM 613985.
Inborn genetic diseases. Identifiers: MedGen C0950123, MeSH D030342.
beta Thalassemia (BTHAL). Also called: Cooley's anemia; Erythroblastic anemia; Mediterranean anemia. Identifiers: Orphanet 848, MedGen C0005283, MONDO:0019402. Disease mechanism: loss of function.
Beta zero thalassemia. Identifiers: MedGen C0271980.
Malaria, susceptibility to. Identifiers: Orphanet 673, MedGen C1970028, MONDO:0021024, OMIM 611162.

Submissions 1 to 12 of 18:

Natera, Inc.
Classification: Pathogenic for Beta thalassemia. Last evaluated: 2026-01-21. Review status: criteria provided, single submitter. Criteria: Natera Variant Classification Schema (03/2026). Collection method: clinical testing. Allele origin: germline.
Comment: The c.93-22_95delTGGTCTATTTTCCCACCCTTAGGCT variant in HBB is a deletion variant affecting a canonical splice acceptor site. This variant is expected to result in nonsense mediated decay, truncation, or a dysfunctional protein product. This variant is rare in the general population with a frequency below the threshold expected for the associated phenotype(s). This variant has been observed in one or more individuals affected with the associated recessive disease, as either homozygous or compound heterozygous with a second variant (PMID: 36703223). Given the available evidence, this variant is classified as Pathogenic.

Center for Genomic Medicine, Rigshospitalet, Copenhagen University Hospital
Classification: Pathogenic. Last evaluated: 2025-03-04. Review status: criteria provided, single submitter. Criteria: ACMG Guidelines, 2015. Collection method: clinical testing. Allele origin: germline.

ARUP Laboratories, Molecular Genetics and Genomics, ARUP Laboratories
Classification: Pathogenic. Last evaluated: 2024-07-22. Review status: criteria provided, single submitter. Criteria: ARUP Molecular Germline Variant Investigation Process 2024. Collection method: clinical testing. Allele origin: germline.
Comment: The HBB c.93-22_95del variant (also known as IVS-1 25 bp del, HbVarID: 974, rs193922563) is reported in the literature in several individuals with beta-thalassemia (Adekile 2015, Miri-Moghaddam 2016, Orkin 1983, HbVar database). This variant was found in three siblings of one family, all of whom also carried an additional pathogenic variant (Adekile 2015). This variant is also reported in ClinVar (Variation ID: 15442). This variant is absent from the Genome Aggregation Database, indicating it is not a common polymorphism. This variant deletes 25 nucleotides and abolishes the canonical splice acceptor site of intron 1, which is likely to disrupt gene function. Indeed, RNA analyses of cells expressing this variant show a lack of properly spliced transcripts (Orkin 1983). Based on available information, this variant is considered to be pathogenic. References: Link to HbVar database: Adekile AD et al. Clinical and Molecular Characteristics of Non-Transfusion-Dependent Thalassemia in Kuwait. Hemoglobin. 2015;39(5):320-6. PMID: 26076396. Miri-Moghaddam E et al. Molecular Characterization of ÃŸ-Thalassemia Intermedia in Southeast Iran. Hemoglobin. 2016 Jun;40(3):173-8. PMID: 27117567. Orkin SH et al. Inactivation of an acceptor RNA splice site by a short deletion in beta-thalassemia. J Biol Chem. 1983 Jun 25;258(12):7249-51. PMID: 6190800.

Genomic Medicine Center of Excellence, King Faisal Specialist Hospital and Research Centre
Classification: Pathogenic for Malaria, susceptibility to. Last evaluated: 2024-03-26. Review status: criteria provided, single submitter. Criteria: ACMG Guidelines, 2015. Collection method: clinical testing. Allele origin: germline.

Labcorp Genetics (formerly Invitae), Labcorp
Classification: Pathogenic. Last evaluated: 2024-02-08. Review status: criteria provided, single submitter. Criteria: Invitae Variant Classification Sherloc (09022015). Collection method: clinical testing. Allele origin: germline.
Comment: This variant results in the deletion of part of exon 2 (c.93-22_95del) of the HBB gene. It is expected to disrupt RNA splicing. Variants that disrupt the donor or acceptor splice site typically lead to a loss of protein function (PMID: 16199547), and loss-of-function variants in HBB are known to be pathogenic (PMID: 23637309). This variant is not present in population databases (gnomAD no frequency). This variant has been observed in individual(s) with beta-thalassemia (PMID: 6190800, 20437613, 23637309, 26076396). This variant is also known as IVS-1, 25bp del. ClinVar contains an entry for this variant (Variation ID: 15442). Studies have shown that this variant alters HBB gene expression (PMID: 6190800). For these reasons, this variant has been classified as Pathogenic.

3billion
Classification: Pathogenic for Beta-thalassemia HBB/LCRB. Last evaluated: 2023-02-23. Review status: criteria provided, single submitter. Criteria: ACMG Guidelines, 2015. Collection method: clinical testing. Allele origin: unknown. Affected: yes.
Comment: The variant is not observed in the gnomAD v2.1.1 dataset. This variant was predicted to alter splicing and result in a loss or disruption of normal protein function. Multiple pathogenic loss-of-function variants are reported downstream of the variant. The variant has been reported at least twice as pathogenic with clinical assertions and evidence for the classification (ClinVar ID: VCV000015442). Therefore, this variant is classified as Pathogenic according to the recommendation of ACMG/AMP guideline.

Dubai Health Genomic Medicine Center, Dubai Health
Classification: Pathogenic. Last evaluated: 2022-12-17. Review status: criteria provided, single submitter. Criteria: ACMG Guidelines, 2015. Collection method: clinical testing. Allele origin: germline. Affected: yes.

Laboratory for Molecular Medicine, Mass General Brigham Personalized Medicine
Classification: Pathogenic for beta Thalassemia. Last evaluated: 2022-11-03. Review status: criteria provided, single submitter. Criteria: ACMG Guidelines, 2015. Collection method: clinical testing. Allele origin: germline.
Comment: The c.93-22_95del25 variant in HBB has been reported in individuals affected with Beta Thalassemia (Orkin 1983 PMID: 6190800, Adekile 2015 PMID: 26076396, Al Gazali 2010 PMID: 20437613). It has also been reported in ClinVar (Variation ID 15415) and was absent from large population studies. This deletion encompasses the canonical splice site (+/- 1,2) and is predicted to cause altered splicing leading to an abnormal or absent protein. Loss of function of the HBB gene is an established disease mechanism in autosomal recessive beta thalassemia. In summary, this variant meets criteria to be classified as pathogenic for autosomal recessive beta thalassemia. ACMG/AMP Criteria applied: PM2_Supporting, PVS1, PM3.

GeneDx
Classification: Pathogenic. Last evaluated: 2022-07-08. Review status: criteria provided, single submitter. Criteria: GeneDx Variant Classification Process June 2021. Collection method: clinical testing. Allele origin: germline. Affected: yes.
Comment: Canonical splice site variant in a gene for which loss-of-function is a known mechanism of disease; Not observed at significant frequency in large population cohorts (gnomAD); This variant is associated with the following publications: (PMID: 6308558, 35467101, 6190800)

Women's Health and Genetics/Laboratory Corporation of America, LabCorp
Classification: Pathogenic for beta Thalassemia. Last evaluated: 2021-09-27. Review status: criteria provided, single submitter. Criteria: LabCorp Variant Classification Summary - May 2015. Collection method: clinical testing. Allele origin: germline.
Comment: Variant summary: HBB c.93-22_95del25 is located in a canonical splice-site and is predicted to affect mRNA splicing resulting in a significantly altered protein due to either exon skipping, shortening, or inclusion of intronic material. Several computational tools predict a significant impact on normal splicing: five predict the variant abolishes a 3 prime acceptor site, which has been confirmed by a functional study (Orkin_1983). This variant was absent in 251322 control chromosomes (gnomAD). c.93-22_95del25 has been reported in the literature in individuals affected with Beta Thalassemia (Orkin_1983, Adekile_2015). These data indicate that the variant is likely to be associated with disease. Three clinical diagnostic laboratories have submitted clinical-significance assessments for this variant to ClinVar after 2014 without evidence for independent evaluation. All laboratories classified the variant as pathogenic. Based on the evidence outlined above, the variant was classified as pathogenic.

Revvity Omics, Revvity
Classification: Pathogenic. Last evaluated: 2020-07-08. Review status: criteria provided, single submitter. Criteria: ACMG Guidelines, 2015. Collection method: clinical testing. Allele origin: germline.

Genetics and Molecular Pathology, SA Pathology
Classification: Pathogenic for Beta-thalassemia HBB/LCRB. Last evaluated: 2020-07-03. Review status: criteria provided, single submitter. Criteria: ACMG Guidelines, 2015. Collection method: clinical testing. Allele origin: germline. Inheritance: Autosomal recessive inheritance.
Comment: PVS1, PS3, PM2, PP4, PP5